The following is an entry in ClinVar:

NM_000093.5(COL5A1):c.5317del (p.Glu1773fs)

Genes: COL5A1 (collagen type V alpha 1 chain; plus strand), LOC101448202 (uncharacterized LOC101448202; minus strand). Cytogenetic location: 9q34.3.
Variant type: Deletion.
Coding change: c.5317del on transcript NM_000093.5 (MANE Select); coding-DNA position 5317, one base deleted (G; older notation c.5317delG).
Protein change: p.Glu1773fs; shifts the reading frame from glutamic acid 1773.
Molecular consequence: frameshift variant.
Genome position (GRCh38, 1-based): chr9:134,835,151, G deleted; the last of 2 consecutive G bases (chr9:134,835,150-134,835,151); deleting either gives the same sequence. VCF-style (leftmost placement, unchanged base first): chr9-134835149-AG-A. GRCh37 (hg19) VCF-style: chr9-137726995-AG-A.
Other names: c.5317del, p.Glu1773fs (NM_001278074.1); c.5317delG (NM_000093.4); short protein forms E1773fs.
Identifiers: ClinVar variation 529240 (VCV000529240.8), dbSNP rs1554726283, ClinGen allele CA658797360.

ClinVar aggregate classification (germline): Pathogenic (1 of 4 stars; one submission).

Conditions:
Ehlers-Danlos syndrome, classic type, 1 (EDSCL1). Also called: Ehlers-Danlos Syndrome, Classic Type, COL5A1-Related; EDS I; Ehlers-Danlos syndrome, type 1; EHLERS-DANLOS SYNDROME, GRAVIS TYPE; EHLERS-DANLOS SYNDROME, SEVERE CLASSIC TYPE. Identifiers: MedGen C0268335, MONDO:0019567, OMIM 130000.

Submission:

Labcorp Genetics (formerly Invitae), Labcorp
Classification: Pathogenic for Ehlers-Danlos syndrome, classic type, 1. Last evaluated: 2022-07-19. Review status: criteria provided, single submitter. Criteria: Invitae Variant Classification Sherloc (09022015). Collection method: clinical testing. Allele origin: germline.
Comment: This variant has not been reported in the literature in individuals affected with COL5A1-related conditions. This variant is not present in population databases (gnomAD no frequency). This sequence change results in a frameshift in the COL5A1 gene (p.Glu1773Argfs*94). While this is not anticipated to result in nonsense mediated decay, it is expected to disrupt the last 66 amino acid(s) of the COL5A1 protein and extend the protein by 27 additional amino acid residues. For these reasons, this variant has been classified as Pathogenic. This variant disrupts a region of the COL5A1 protein in which other variant(s) (p.Gln1809*) have been determined to be pathogenic (Invitae). This suggests that this is a clinically significant region of the protein, and that variants that disrupt it are likely to be disease-causing. ClinVar contains an entry for this variant (Variation ID: 529240).